The following is an entry in ClinVar:

NM_004183.4(BEST1):c.828C>G (p.Phe276Leu)

Gene: BEST1 (bestrophin 1; plus strand). Cytogenetic location: 11q12.3.
Variant type: single nucleotide variant.
Coding change: c.828C>G on transcript NM_004183.4 (MANE Select); coding-DNA position 828, C replaced by G.
Protein change: p.Phe276Leu; replaces phenylalanine 276 with leucine.
Molecular consequence: missense variant. On other transcripts: non-coding transcript variant (1).
Genome position (GRCh38, 1-based): chr11:61,958,259, C>G. VCF-style: chr11-61958259-C-G. GRCh37 (hg19) VCF-style: chr11-61725731-C-G.
Other names: c.648C>G, p.Phe216Leu (NM_001139443.3, NM_001300786.2, NM_001300787.2); c.510C>G, p.Phe170Leu (NM_001363591.3); c.828C>G, p.Phe276Leu (NM_001363592.2); c.-348C>G (NM_001363593.3); short protein forms F276L, F170L, F216L.
Identifiers: ClinVar variation 99755 (VCV000099755.3), dbSNP rs281865248, ClinGen allele CA227822.

ClinVar aggregate classification (germline): Conflicting classifications of pathogenicity. Review status: criteria provided, conflicting classifications (1 of 4 stars). 3 submissions from 3 submitters: Likely pathogenic (1); Uncertain significance (1). 1 of the submissions does not count toward it. Last evaluated 2019-09-04.

Conditions:
Vitelliform macular dystrophy 2. Also called: Best Macular Dystrophy; Best vitelliform macular dystrophy, multifocal; Best Vitelliform Macular Dystrophy (BVMD); MACULAR DEGENERATION, POLYMORPHIC VITELLINE; VITELLIFORM MACULAR DYSTROPHY, EARLY-ONSET; VITELLIFORM MACULAR DYSTROPHY, JUVENILE-ONSET. Identifiers: Orphanet 1243, MedGen C2745945, MONDO:0007931, OMIM 153700.
BEST1-related disorder. Also called: BEST1-related disorders; BEST1-related condition. Identifiers: MedGen CN239200.

Submissions (3):

Blueprint Genetics
Classification: Likely pathogenic for BEST1-related disorders. Last evaluated: 2019-09-04. Review status: criteria provided, single submitter. Criteria: ACMG Guidelines, 2015. Collection method: clinical testing. Allele origin: germline. Affected: yes. Observed: 1 variant allele.

Department of Genetics, Fundacion Jimenez Diaz University Hospital
Classification: Uncertain significance for Vitelliform macular dystrophy 2. Review status: criteria provided, single submitter. Criteria: ACMG Guidelines, 2015. Collection method: clinical testing. Allele origin: unknown. Affected: yes.
Comment: Variant not found in population databases, predicted deleterious by in-silico pathogenicity predictors. (ACMG: PM2 Moderate; PP3 Supporting)

Retina International
No classification provided. Review status: no classification provided. Collection method: not provided. Allele origin: not provided. Not counted in ClinVar's aggregate classification.